The following is an entry in ClinVar:

NM_001242882.2(NAXD):c.671C>T (p.Thr224Met)

Gene: NAXD (NAD(P)HX dehydratase; plus strand). Cytogenetic location: 13q34.
Variant type: single nucleotide variant.
Coding change: c.671C>T on transcript NM_001242882.2 (MANE Select); coding-DNA position 671, C replaced by T.
Protein change: p.Thr224Met; replaces threonine 224 with methionine.
Molecular consequence: missense variant. On other transcripts: non-coding transcript variant (2).
Genome position (GRCh38, 1-based): chr13:110,635,541, C>T. VCF-style: chr13-110635541-C-T. GRCh37 (hg19) VCF-style: chr13-111287888-C-T.
Other names: c.725C>T, p.Thr242Met (NM_001242881.2, NM_018210.4); c.395C>T, p.Thr132Met (NM_001242883.2); c.725C>T (NM_018210.3); c.671C>T (NM_001242882.1); short protein forms T224M, T132M, T242M.
Identifiers: ClinVar variation 1362727 (VCV001362727.11), dbSNP rs149297756, ClinGen allele CA7051318.
Genomic context (GRCh38, chr13:110,635,541, plus strand): 5'-TGGACAGCGATGACAGCCATGGATCTGTGCTAAGACTCAGCCAAGCCCTGGGCAACGTGA[C>T]GGTGGTCCAGAAAGGAGAGCGCGACATCCTCTCCAACGGCCAGCAGGGTGAGTGGCGGCT-3'
Protein context (NP_001229811.1, residues 214-234): LRLSQALGNV[Thr224Met]VVQKGERDIL

ClinVar aggregate classification (germline): Uncertain significance. Review status: criteria provided, multiple submitters, no conflicts (2 of 4 stars). 3 submissions from 3 submitters: Uncertain significance (3). Last evaluated 2024-02-17.

Conditions:
Inborn genetic diseases. Identifiers: MedGen C0950123, MeSH D030342.
NAD(P)HX dehydratase deficiency. Also called: Encephalopathy, progressive, early-onset, with brain edema and/or leukoencephalopathy, 2. Identifiers: Orphanet 555402, MedGen C5193026, MONDO:0034121, OMIM 618321.

Allele frequency attached by ClinVar (database versions not stated): ExAC 0.00010; gnomAD exomes 0.00013 and 0.00016; ESP Exome Variant Server 0.00015; gnomAD 0.00019 and 0.00021; TOPMed 0.00030.
gnomAD v4.1: 261 of 1,614,060 alleles (0.016%); highest among the groups gnomAD compares: Admixed American, 0.04%; no homozygotes.

Submissions (3):

Labcorp Genetics (formerly Invitae), Labcorp
Classification: Uncertain significance. Last evaluated: 2024-02-17. Review status: criteria provided, single submitter. Criteria: Invitae Variant Classification Sherloc (09022015). Collection method: clinical testing. Allele origin: germline.
Comment: This sequence change replaces threonine, which is neutral and polar, with methionine, which is neutral and non-polar, at codon 242 of the NAXD protein (p.Thr242Met). This variant is present in population databases (rs149297756, gnomAD 0.05%). This variant has not been reported in the literature in individuals affected with NAXD-related conditions. ClinVar contains an entry for this variant (Variation ID: 1362727). Advanced modeling of protein sequence and biophysical properties (such as structural, functional, and spatial information, amino acid conservation, physicochemical variation, residue mobility, and thermodynamic stability) performed at Invitae indicates that this missense variant is expected to disrupt NAXD protein function with a positive predictive value of 80%. In summary, the available evidence is currently insufficient to determine the role of this variant in disease. Therefore, it has been classified as a Variant of Uncertain Significance.

Ambry Genetics
Classification: Uncertain significance for Inborn genetic diseases. Last evaluated: 2023-09-01. Review status: criteria provided, single submitter. Criteria: Ambry Variant Classification Scheme 2023. Collection method: clinical testing. Allele origin: germline.

Revvity Omics, Revvity
Classification: Uncertain significance for NAD(P)HX dehydratase deficiency. Last evaluated: 2021-04-14. Review status: criteria provided, single submitter. Criteria: ACMG Guidelines, 2015. Collection method: clinical testing. Allele origin: germline.